The following is an entry in ClinVar:

ClinVar aggregate classification (germline): Uncertain significance (1 of 4 stars; one submission).

Submission:

Mayo Clinic Laboratories, Mayo Clinic
Classification: Uncertain significance. Last evaluated: 2024-02-01. Review status: criteria provided, single submitter. Criteria: ACMG Guidelines, 2015. Collection method: clinical testing. Allele origin: germline. Observed: 1 variant allele.
Comment: BP4

NM_001164508.2(NEB):c.1970T>C (p.Leu657Pro)

Gene: NEB (nebulin; minus strand). Cytogenetic location: 2q23.3.
Variant type: single nucleotide variant.
Coding change: c.1970T>C on transcript NM_001164508.2 (MANE Select); coding-DNA position 1970, T replaced by C.
Protein change: p.Leu657Pro; replaces leucine 657 with proline.
Molecular consequence: missense variant.
Genome position (GRCh38, 1-based): chr2:151,692,289, A>G on the plus strand (T>C on the coding strand, the complement: NEB is on the minus strand). VCF-style: chr2-151692289-A-G. GRCh37 (hg19) VCF-style: chr2-152548803-A-G.
Other names: p.Leu657Pro; c.1970T>C, p.Leu657Pro (NM_001164507.2, NM_001271208.2, NM_004543.5); short protein forms L657P.
Identifiers: ClinVar variation 3380841 (VCV003380841.1).